The following is an entry in ClinVar:

NM_006662.3(SRCAP):c.6005G>A (p.Arg2002His)

Gene: SRCAP (Snf2 related CREBBP activator protein; plus strand). Cytogenetic location: 16p11.2.
Variant type: single nucleotide variant.
Coding change: c.6005G>A on transcript NM_006662.3 (MANE Select); coding-DNA position 6005, G replaced by A.
Protein change: p.Arg2002His; replaces arginine 2002 with histidine.
Molecular consequence: missense variant.
Genome position (GRCh38, 1-based): chr16:30,729,450, G>A. VCF-style: chr16-30729450-G-A. GRCh37 (hg19) VCF-style: chr16-30740771-G-A.
Other names: short protein forms R2002H.
Identifiers: ClinVar variation 1983864 (VCV001983864.6), dbSNP rs769837716, ClinGen allele CA8012126.

ClinVar aggregate classification (germline): Conflicting classifications of pathogenicity. Review status: criteria provided, conflicting classifications (1 of 4 stars). 3 submissions from 3 submitters: Uncertain significance (1); Likely benign (2). Last evaluated 2024-06-21.

Conditions:
Developmental delay, hypotonia, musculoskeletal defects, and behavioral abnormalities. Identifiers: MedGen C5562012, MONDO:0859202, OMIM 619595.
Floating-Harbor syndrome (FLHS). Also called: SRCAP-Related Floating-Harbor Syndrome; Short stature with delayed bone age, expressive language delay, a triangular face with a prominent nose and deep-set eyes; Pelletier-Leisti syndrome. Identifiers: Orphanet 2044, MedGen C0729582, MONDO:0007621, OMIM 136140.

Allele frequency attached by ClinVar (database versions not stated): gnomAD 0.00003; TOPMed 0.00004; ExAC 0.00010.
gnomAD v4.1: 40 of 1,614,034 alleles (0.0025%); highest among the groups gnomAD compares: Middle Eastern, 0.016%; no homozygotes.

Submissions (3):

Fulgent Genetics
Classification: Likely benign for Floating-Harbor syndrome; Developmental delay, hypotonia, musculoskeletal defects, and behavioral abnormalities. Last evaluated: 2024-06-21. Review status: criteria provided, single submitter. Criteria: ACMG Guidelines, 2015. Collection method: clinical testing. Allele origin: germline.

Blueprint Genetics
Classification: Likely benign. Last evaluated: 2024-05-22. Review status: criteria provided, single submitter. Criteria: ACMG Guidelines, 2015. Collection method: clinical testing. Allele origin: germline.

Labcorp Genetics (formerly Invitae), Labcorp
Classification: Uncertain significance. Last evaluated: 2022-01-17. Review status: criteria provided, single submitter. Criteria: Invitae Variant Classification Sherloc (09022015). Collection method: clinical testing. Allele origin: germline.
Comment: This variant is present in population databases (rs769837716, gnomAD 0.009%). In summary, the available evidence is currently insufficient to determine the role of this variant in disease. Therefore, it has been classified as a Variant of Uncertain Significance. Algorithms developed to predict the effect of missense changes on protein structure and function output the following: SIFT: "Tolerated"; PolyPhen-2: "Benign"; Align-GVGD: "Class C0". The histidine amino acid residue is found in multiple mammalian species, which suggests that this missense change does not adversely affect protein function. This variant has not been reported in the literature in individuals affected with SRCAP-related conditions. This sequence change replaces arginine, which is basic and polar, with histidine, which is basic and polar, at codon 2002 of the SRCAP protein (p.Arg2002His).